The following is an entry in ClinVar:

ClinVar aggregate classification (germline): Uncertain significance. Review status: criteria provided, multiple submitters, no conflicts (2 of 4 stars). 2 submissions from 2 submitters: Uncertain significance (2). Last evaluated 2025-06-19.

Conditions:
Progressive microcephaly-seizures-cortical blindness-developmental delay syndrome. Also called: Seizures, cortical blindness, and microcephaly syndrome. Identifiers: Orphanet 477814, MedGen C5567650, MONDO:0014714, OMIM 616632.
Autosomal dominant nonsyndromic hearing loss 1. Also called: DEAFNESS, AUTOSOMAL DOMINANT 1, WITH OR WITHOUT THROMBOCYTOPENIA; KONIGSMARK SYNDROME. Identifiers: Orphanet 90635, MedGen C1852282, MONDO:0007424, OMIM 124900.
Inborn genetic diseases. Identifiers: MedGen C0950123, MeSH D030342.

Allele frequency attached by ClinVar (database versions not stated): TOPMed below 0.00001; gnomAD 0.00001; gnomAD exomes 0.00001 and 0.00002; ExAC 0.00002; 1000 Genomes Project 30x 0.00016; 1000 Genomes Project 0.00020.
gnomAD v4.1: 11 of 1,614,120 alleles (0.00068%); highest among the groups gnomAD compares: South Asian, 0.011%; no homozygotes.

Submissions (2):

Labcorp Genetics (formerly Invitae), Labcorp
Classification: Uncertain significance for Progressive microcephaly-seizures-cortical blindness-developmental delay syndrome; Autosomal dominant nonsyndromic hearing loss 1. Last evaluated: 2025-06-19. Review status: criteria provided, single submitter. Criteria: Invitae Variant Classification Sherloc (09022015). Collection method: clinical testing. Allele origin: germline.
Comment: This sequence change replaces lysine, which is basic and polar, with glutamine, which is neutral and polar, at codon 550 of the DIAPH1 protein (p.Lys550Gln). This variant is present in population databases (rs528268486, gnomAD 0.02%). This variant has not been reported in the literature in individuals affected with DIAPH1-related conditions. ClinVar contains an entry for this variant (Variation ID: 1062081). Experimental studies and prediction algorithms are not available or were not evaluated, and the functional significance of this variant is currently unknown. In summary, the available evidence is currently insufficient to determine the role of this variant in disease. Therefore, it has been classified as a Variant of Uncertain Significance.

Ambry Genetics
Classification: Uncertain significance for Inborn genetic diseases. Last evaluated: 2023-05-03. Review status: criteria provided, single submitter. Criteria: Ambry Variant Classification Scheme 2023. Collection method: clinical testing. Allele origin: germline.

NM_005219.5(DIAPH1):c.1648A>C (p.Lys550Gln)

Gene: DIAPH1 (diaphanous related formin 1; minus strand). Cytogenetic location: 5q31.3.
Variant type: single nucleotide variant.
Coding change: c.1648A>C on transcript NM_005219.5 (MANE Select); coding-DNA position 1648, A replaced by C.
Protein change: p.Lys550Gln; replaces lysine 550 with glutamine.
Molecular consequence: missense variant.
Genome position (GRCh38, 1-based): chr5:141,574,202, T>G on the plus strand (A>C on the coding strand, the complement: DIAPH1 is on the minus strand). VCF-style: chr5-141574202-T-G. GRCh37 (hg19) VCF-style: chr5-140953769-T-G.
Other names: c.1621A>C, p.Lys541Gln (NM_001079812.3); c.1648A>C, p.Lys550Gln (NM_001314007.2); c.1648A>C (NM_005219.4); short protein forms K541Q, K550Q.
Identifiers: ClinVar variation 1062081 (VCV001062081.8), dbSNP rs528268486, ClinGen allele CA3479238.